The following is an entry in ClinVar:

ClinVar aggregate classification (germline): Uncertain significance (1 of 4 stars; one submission).

Conditions:
Long QT syndrome (LQTS). Identifiers: MedGen C0023976, MeSH D008133, MONDO:0002442. Disease mechanism: loss of function. Inheritance: Various modes of inheritance.

Submission:

Labcorp Genetics (formerly Invitae), Labcorp
Classification: Uncertain significance for Long QT syndrome. Last evaluated: 2022-12-02. Review status: criteria provided, single submitter. Criteria: Invitae Variant Classification Sherloc (09022015). Collection method: clinical testing. Allele origin: germline.
Comment: This sequence change replaces proline, which is neutral and non-polar, with leucine, which is neutral and non-polar, at codon 3729 of the ANK2 protein (p.Pro3729Leu). In summary, the available evidence is currently insufficient to determine the role of this variant in disease. Therefore, it has been classified as a Variant of Uncertain Significance. Advanced modeling of protein sequence and biophysical properties (such as structural, functional, and spatial information, amino acid conservation, physicochemical variation, residue mobility, and thermodynamic stability) performed at Invitae indicates that this missense variant is not expected to disrupt ANK2 protein function. ClinVar contains an entry for this variant (Variation ID: 1516020). This variant has not been reported in the literature in individuals affected with ANK2-related conditions. This variant is not present in population databases (gnomAD no frequency).

NM_001148.6(ANK2):c.11186C>T (p.Pro3729Leu)

Gene: ANK2 (ankyrin 2; plus strand). Cytogenetic location: 4q26.
Variant type: single nucleotide variant.
Coding change: c.11186C>T on transcript NM_001148.6 (MANE Select); coding-DNA position 11186, C replaced by T.
Protein change: p.Pro3729Leu; replaces proline 3729 with leucine.
Molecular consequence: missense variant.
Genome position (GRCh38, 1-based): chr4:113,367,719, C>T. VCF-style: chr4-113367719-C-T. GRCh37 (hg19) VCF-style: chr4-114288875-C-T.
Other names: c.4904C>T, p.Pro1635Leu (NM_001127493.3); c.4943C>T, p.Pro1648Leu (NM_001354225.2); c.4832C>T, p.Pro1611Leu (NM_001354228.2, NM_001354258.2); c.4910C>T, p.Pro1637Leu (NM_001354230.2); c.4973C>T, p.Pro1658Leu (NM_001354231.2, NM_001354242.2); c.4967C>T, p.Pro1656Leu (NM_001354232.2); c.4928C>T, p.Pro1643Leu (NM_001354235.2, NM_001354246.2, NM_001354265.2); c.4829C>T, p.Pro1610Leu (NM_001354236.2); and 35 more; short protein forms P1566L, P1569L, P1578L, P1590L, P1670L, P2529L, P3651L, P832L.
Identifiers: ClinVar variation 1516020 (VCV001516020.8), dbSNP rs2154060505, ClinGen allele CA357942153.
Genomic context (GRCh38, chr4:113,367,719, plus strand): 5'-CTCCTATCGTCTCAGAGGAAGACATTTCTGTTGGTTATTCCACTTTTCAGGATGGCGTCC[C>T]CAAAACTGAGGGGGACAGCTCAGCAACAGCACTCTTTCCCCAAACTCACAAGGAGCAAGT-3'
Protein context (NP_001139.3, residues 3719-3739): VGYSTFQDGV[Pro3729Leu]KTEGDSSATA